The following is an entry in ClinVar:

ClinVar aggregate classification (germline): Pathogenic (1 of 4 stars; one submission).

Conditions:
Anemia, nonspherocytic hemolytic, due to G6PD deficiency (CNSHA1). Also called: Hemolytic anemia due to G6PD deficiency; Class I glucose-6-phosphate dehydrogenase deficiency; Favism, susceptibility to; ANEMIA, CONGENITAL, NONSPHEROCYTIC HEMOLYTIC, 1. Identifiers: Orphanet 466026, MedGen C2720289, MONDO:0010480, OMIM 300908.

Submission:

Dunham Lab, University of Washington
Classification: Pathogenic for Anemia, nonspherocytic hemolytic, due to G6PD deficiency. Last evaluated: 2022-08-12. Review status: criteria provided, single submitter. Criteria: Bayesian ACMG Guidelines, 2018. Collection method: curation. Allele origin: maternal. Affected: yes.
Comment: Decreased activity in red blood cells (10%) (PS3). Affects same amino acid as pathogenic 283D>V (ClinVar ID 445710) (PM5). Not found in gnomAD (PM2). Post_P 0.994 (odds of pathogenicity 1517, Prior_P 0.1).

Literature cited by the submitters: PubMed 21063220.

NM_001360016.2(G6PD):c.848A>G (p.Asp283Gly)

Gene: G6PD (glucose-6-phosphate dehydrogenase; minus strand). Cytogenetic location: Xq28.
Variant type: single nucleotide variant.
Coding change: c.848A>G on transcript NM_001360016.2 (MANE Select); coding-DNA position 848, A replaced by G.
Protein change: p.Asp283Gly; replaces aspartic acid 283 with glycine.
Molecular consequence: missense variant.
Genome position (GRCh38, 1-based): chrX:154,533,592, T>C on the plus strand (A>G on the coding strand, the complement: G6PD is on the minus strand). VCF-style: chrX-154533592-T-C. GRCh37 (hg19) VCF-style: chrX-153761807-T-C.
Other names: G6PD Mizushima; c.938A>G, p.Asp313Gly (NM_000402.4); c.848A>G, p.Asp283Gly (NM_001042351.3); short protein forms D283G, D313G.
Identifiers: ClinVar variation 1722664 (VCV001722664.2), dbSNP rs1557230040, ClinGen allele CA415235106.